The following is an entry in ClinVar:

NC_000017.10:g.(?_33445500)_(33445658_?)del

Gene: RAD51D (RAD51 paralog D; minus strand). Cytogenetic location: 17q12.
Variant type: Deletion.
Identifiers: ClinVar variation 3243094 (VCV003243094.1).

ClinVar aggregate classification (germline): Pathogenic (1 of 4 stars; one submission).

Conditions:
Breast-ovarian cancer, familial, susceptibility to, 4. Identifiers: Orphanet 145, MedGen C3280345, MONDO:0013669, OMIM 614291.

Submission:

Labcorp Genetics (formerly Invitae), Labcorp
Classification: Pathogenic for Breast-ovarian cancer, familial, susceptibility to, 4. Last evaluated: 2023-11-28. Review status: criteria provided, single submitter. Criteria: Invitae Variant Classification Sherloc (09022015). Collection method: clinical testing. Allele origin: unknown.
Comment: This variant is a gross deletion of the genomic region encompassing exon(s) 3 of the RAD51D gene. This deletion is out-of-frame, and is expected to create a premature termination codon and result in an absent or disrupted protein product. Loss-of-function variants in RAD51D are known to be pathogenic (PMID: 21822267). A similar copy number variant has been observed in individual(s) with ovarian cancer (PMID: 26681312). For these reasons, this variant has been classified as Pathogenic.

Literature cited by the submitters: PubMed 21822267; PubMed 26681312.